The following is an entry in ClinVar:

NM_007294.4(BRCA1):c.5382G>T (p.Glu1794Asp)

Gene: BRCA1 (BRCA1 DNA repair associated; minus strand). Cytogenetic location: 17q21.31.
Variant type: single nucleotide variant.
Coding change: c.5382G>T on transcript NM_007294.4 (MANE Select); coding-DNA position 5382, G replaced by T.
Protein change: p.Glu1794Asp; replaces glutamic acid 1794 with aspartic acid.
Molecular consequence: missense variant. On other transcripts: non-coding transcript variant (1), intron variant (1).
Genome position (GRCh38, 1-based): chr17:43,049,145, C>A on the plus strand (G>T on the coding strand, the complement: BRCA1 is on the minus strand). VCF-style: chr17-43049145-C-A. GRCh37 (hg19) VCF-style: chr17-41201162-C-A.
Other names: c.5376G>T, p.Glu1792Asp (NM_001407637.1, NM_001407638.1, NM_001407639.1 and 13 more transcripts); c.5373G>T, p.Glu1791Asp (NM_001407644.1, NM_001407645.1); c.5370G>T, p.Glu1790Asp (NM_001407646.1); c.5367G>T, p.Glu1789Asp (NM_001407647.1); c.5298G>T, p.Glu1766Asp (NM_001407659.1, NM_001407660.1, NM_001407661.1 and 2 more transcripts); c.5259G>T, p.Glu1753Asp (NM_001407664.1, NM_001407665.1, NM_001407666.1 and 3 more transcripts); c.5241G>T, p.Glu1747Asp (NM_001407724.1, NM_001407725.1, NM_001407726.1 and 12 more transcripts); c.5238G>T, p.Glu1746Asp (NM_001407732.1, NM_001407733.1, NM_001407743.1 and 18 more transcripts); and 73 more; short protein forms E1794D, E1747D, E1815D, E690D, E1498D, E1625D, E1640D, E1667D.
Identifiers: ClinVar variation 55557 (VCV000055557.4), dbSNP rs397509275, ClinGen allele CA003543.

ClinVar aggregate classification (germline): not provided (0 of 4 stars; one submission).

Conditions:
Familial cancer of breast. Also called: hereditary breast carcinoma; BREAST CANCER, FAMILIAL; Hereditary breast cancer. Identifiers: Orphanet 227535, MedGen C0346153, MONDO:0016419, OMIM 114480. Disease mechanism: loss of function.

Submissions (2):

Brotman Baty Institute, University of Washington
No classification provided (evidence only). Condition: Breast-ovarian cancer, familial 1. Review status: no classification provided. Collection method: in vitro. Allele origin: not applicable. Functional consequence: functionally_normal. Not counted in ClinVar's aggregate classification.
ClinVar note: "not provided" was previously submitted as the classification for the variant. However, the classification appeared to be based only on an observation of functional data so it was converted to no classification on 2025-07-30.

ClinVar Staff, National Center for Biotechnology Information (NCBI)
No classification provided. Condition: Familial cancer of breast. Review status: no classification provided. Collection method: literature only. Allele origin: germline. Affected: yes.

Literature cited by the submitters: PubMed 10480351 (cited by ClinVar Staff, National Center for Biotechnology Information (NCBI)).